The following is an entry in ClinVar:

ClinVar aggregate classification (germline): Likely benign (1 of 4 stars; one submission).

Conditions:
Hypertrophic cardiomyopathy. Also called: HYPERTROPHIC MYOCARDIOPATHY. Identifiers: Orphanet 217569, MedGen C0007194, MeSH D002312, MONDO:0005045, HP:0001639.

gnomAD v4.1: 2 of 1,578,676 alleles (0.00013%); highest among the groups gnomAD compares: South Asian, 0.0011%; no homozygotes.

Submission:

All of Us Research Program, National Institutes of Health
Classification: Likely benign for Hypertrophic cardiomyopathy. Last evaluated: 2023-09-17. Review status: criteria provided, single submitter. Criteria: ACMG Guidelines, 2015. Collection method: clinical testing. Allele origin: germline. Inheritance: Autosomal dominant inheritance. Observed: 1 variant allele, 1 heterozygote.
Comment: This study involves interpretation of variants in research participants for the purpose of population health screening. Participant phenotype was not available at the time of variant classification. Additional details can be found in publication PMID: 35346344, PMCID: PMC8962531

NM_016203.4(PRKAG2):c.865-7T>C

Gene: PRKAG2 (protein kinase AMP-activated non-catalytic subunit gamma 2; minus strand). Cytogenetic location: 7q36.1.
Variant type: single nucleotide variant.
Coding change: c.865-7T>C on transcript NM_016203.4 (MANE Select); 7 bases into the intron before coding-DNA position 865, T replaced by C.
Molecular consequence: intron variant.
Genome position (GRCh38, 1-based): chr7:151,576,459, A>G on the plus strand (T>C on the coding strand, the complement: PRKAG2 is on the minus strand). VCF-style: chr7-151576459-A-G. GRCh37 (hg19) VCF-style: chr7-151273545-A-G.
Other names: c.574-7T>C (NM_001407031.1); c.577-7T>C (NM_001407030.1); c.862-7T>C (NM_001407023.1, NM_001407022.1); c.865-7T>C (NM_001407021.1); c.547-7T>C (NM_001407032.1); c.730-7T>C (NM_001407026.1, NM_001407027.1); c.733-7T>C (NM_001040633.2, NM_001407024.1); c.541-7T>C (NM_001407033.1); and 6 more.
Identifiers: ClinVar variation 3073383 (VCV003073383.1), dbSNP rs1433226385, ClinGen allele CA578733248.
Genomic context (GRCh38, chr7:151,576,459, plus strand): 5'-CAGTGGCGCTGCTCGGACACCGTTGGCTACCAAAGCAAAGAAGGCCTTTTTAACCTGAAG[A>G]AAAAGAGGAGAAACAAAACATACTTTCAAAGTCCAGGAAGAAAAATACCTTTTTTTTTTG-3'